The following is an entry in ClinVar:

ClinVar aggregate classification (germline): Uncertain significance (1 of 4 stars; one submission).

Submission:

Ambry Genetics
Classification: Uncertain significance. Last evaluated: 2023-11-16. Review status: criteria provided, single submitter. Criteria: Ambry Variant Classification Scheme 2023. Collection method: clinical testing. Allele origin: germline.
Comment: The c.283_285delGCCinsACG variant, located in coding exon 3 of the KIF1B gene, results from an in-frame deletion of GCC and insertion of ACG at nucleotide positions 283 to 285. This results in the substitution of the alanine residue for a threonine residue at codon 95, an amino acid with similar properties. This amino acid position is highly conserved in available vertebrate species. The evidence for this gene-disease relationship is limited; therefore, the clinical significance of this alteration is unclear.

NM_001365951.3(KIF1B):c.283_285delinsACG (p.Ala95Thr)

Gene: KIF1B (kinesin family member 1B; plus strand). Cytogenetic location: 1p36.22.
Variant type: Indel.
Coding change: c.283_285delinsACG on transcript NM_001365951.3 (MANE Select); coding-DNA positions 283 to 285, GCC replaced by ACG.
Protein change: p.Ala95Thr; replaces alanine 95 with threonine.
Molecular consequence: missense variant.
Genome position (GRCh38, 1-based): chr1:10,258,592-10,258,594, GCC replaced by ACG. VCF-style: chr1-10258592-GCC-ACG. GRCh37 (hg19) VCF-style: chr1-10318650-GCC-ACG.
Other names: c.283_285delinsACG, p.Ala95Thr (NM_001365952.1, NM_001365953.1, NM_015074.3 and 1 more transcripts); c.283_285delGCCinsACG (NM_015074.3); short protein forms A95T.
Identifiers: ClinVar variation 3226417 (VCV003226417.1), dbSNP rs2523465719, ClinGen allele CA2825000839.